The following is an entry in ClinVar:

NM_003482.4(KMT2D):c.11826_11849del (p.3939QLQQQQQQ[1])

Gene: KMT2D (lysine methyltransferase 2D; minus strand). Cytogenetic location: 12q13.12.
Variant type: Deletion.
Coding change: c.11826_11849del on transcript NM_003482.4 (MANE Select); coding-DNA positions 11826 to 11849, 24 bases deleted (ACAGCAGCAGCAACAGCTTCAACA).
Protein change: p.3939QLQQQQQQ[1].
Molecular consequence: inframe deletion.
Genome position (GRCh38, 1-based): chr12:49,032,856-49,032,879, TGTTGAAGCTGTTGCTGCTGCTGT deleted on the plus strand (ACAGCAGCAGCAACAGCTTCAACA on the coding strand, the reverse complement: KMT2D is on the minus strand); deleting any 24 consecutive bases within chr12:49,032,856-49,032,890 gives the same sequence; the c. name uses the placement nearest the transcript's 3' end. VCF-style (leftmost placement, unchanged base first): chr12-49032855-CTGTTGAAGCTGTTGCTGCTGCTGT-C. GRCh37 (hg19) VCF-style: chr12-49426638-CTGTTGAAGCTGTTGCTGCTGCTGT-C.
Other names: c.11826_11849del24 (NM_003482.3).
Identifiers: ClinVar variation 1660930 (VCV001660930.10), dbSNP rs771018434, ClinGen allele CA6546286.

ClinVar aggregate classification (germline): Conflicting classifications of pathogenicity. Review status: criteria provided, conflicting classifications (1 of 4 stars). 3 submissions from 3 submitters: Uncertain significance (2); Likely benign (1). Last evaluated 2025-04-18.

Conditions:
Kabuki syndrome 1 (KABUK1). Also called: KMT2D-Related Kabuki Syndrome. Identifiers: Orphanet 2322, MedGen CN030661, MONDO:0007843, OMIM 147920.
Choanal atresia-athelia-hypothyroidism-delayed puberty-short stature syndrome (BCAHH). Also called: BRANCHIAL ARCH ABNORMALITIES, CHOANAL ATRESIA, ATHELIA, HEARING LOSS, AND HYPOTHYROIDISM SYNDROME. Identifiers: Orphanet 589856, MedGen C5680310, MONDO:0035651, OMIM 620186.
KMT2D-related disorder. Also called: KMT2D-Related Disorders.
Kabuki syndrome. Also called: Kabuki make-up syndrome; NIIKAWA-KUROKI SYNDROME. Identifiers: Orphanet 2322, MedGen C0796004, MONDO:0016512.

Submissions (3):

Labcorp Genetics (formerly Invitae), Labcorp
Classification: Likely benign for Kabuki syndrome. Last evaluated: 2025-04-18. Review status: criteria provided, single submitter. Criteria: Invitae Variant Classification Sherloc (09022015). Collection method: clinical testing. Allele origin: germline.

Fulgent Genetics
Classification: Uncertain significance for Kabuki syndrome 1; Choanal atresia-athelia-hypothyroidism-delayed puberty-short stature syndrome. Last evaluated: 2023-12-29. Review status: criteria provided, single submitter. Criteria: ACMG Guidelines, 2015. Collection method: clinical testing. Allele origin: germline.

PreventionGenetics, part of Exact Sciences
Classification: Uncertain significance for KMT2D-related condition. Last evaluated: 2023-08-21. Review status: criteria provided, single submitter. Criteria: ACMG Guidelines, 2015. Collection method: clinical testing. Allele origin: germline.
Comment: The KMT2D c.11826_11849del24 variant is predicted to result in an in-frame deletion (p.Gln3947_Gln3954del). This variant was reported in an individual with Kabuki syndrome (Kerkhof et al. 2022. PubMed ID: 34906459). This variant is reported in 0.0081% of alleles in individuals of European (Non-Finnish) descent in gnomAD. At this time, the clinical significance of this variant is uncertain due to the absence of conclusive functional and genetic evidence.